The following is an entry in ClinVar:

ClinVar aggregate classification (germline): Pathogenic (1 of 4 stars; one submission).

Conditions:
Familial adenomatous polyposis 1 (FAP1). Also called: POLYPOSIS, ADENOMATOUS INTESTINAL; FAMILIAL ADENOMATOUS POLYPOSIS 1, ATTENUATED. Identifiers: MedGen C2713442, MONDO:0021056, OMIM 175100. Disease mechanism: loss of function.

Submission:

Labcorp Genetics (formerly Invitae), Labcorp
Classification: Pathogenic for Familial adenomatous polyposis 1. Last evaluated: 2022-03-11. Review status: criteria provided, single submitter. Criteria: Invitae Variant Classification Sherloc (09022015). Collection method: clinical testing. Allele origin: germline.
Comment: For these reasons, this variant has been classified as Pathogenic. This variant disrupts a region of the APC protein in which other variant(s) (p.Tyr2645Lysfs*) have been determined to be pathogenic (PMID: 1316610, 8381579, 9824584, 22135120, 27081525; Invitae). This suggests that this is a clinically significant region of the protein, and that variants that disrupt it are likely to be disease-causing. This variant has not been reported in the literature in individuals affected with APC-related conditions. This variant is not present in population databases (gnomAD no frequency). This sequence change creates a premature translational stop signal (p.Asp1565Ilefs*10) in the APC gene. While this is not anticipated to result in nonsense mediated decay, it is expected to disrupt the last 1279 amino acid(s) of the APC protein.

Literature cited by the submitters: PubMed 1316610; PubMed 8381579; PubMed 9824584; PubMed 22135120; PubMed 27081525.

NM_000038.6(APC):c.4692_4695del (p.Asp1565fs)

Gene: APC (APC regulator of Wnt signaling pathway; plus strand). Cytogenetic location: 5q22.2.
Variant type: Deletion.
Coding change: c.4692_4695del on transcript NM_000038.6 (MANE Select); coding-DNA positions 4692 to 4695, 4 bases deleted (AGAT; older notation c.4692_4695delAGAT).
Protein change: p.Asp1565fs; shifts the reading frame from aspartic acid 1565.
Molecular consequence: frameshift variant.
Genome position (GRCh38, 1-based): chr5:112,840,286-112,840,289, AGAT deleted; deleting any 4 consecutive bases within chr5:112,840,285-112,840,289 gives the same sequence; the c. name uses the placement nearest the transcript's 3' end. VCF-style (leftmost placement, unchanged base first): chr5-112840284-TTAGA-T. GRCh37 (hg19) VCF-style: chr5-112175981-TTAGA-T.
Other names: c.4692_4695del, p.Asp1565fs (NM_001127510.3, NM_001354895.2); c.4638_4641del, p.Asp1547fs (NM_001127511.3); c.4746_4749del, p.Asp1583fs (NM_001354896.2); c.4722_4725del, p.Asp1575fs (NM_001354897.2); c.4617_4620del, p.Asp1540fs (NM_001354898.2); c.4608_4611del, p.Asp1537fs (NM_001354899.2); c.4569_4572del, p.Asp1524fs (NM_001354900.2); c.4515_4518del, p.Asp1506fs (NM_001354901.2); and 16 more; short protein forms D1537fs, D1282fs, D1506fs, D1575fs, D1405fs, D1439fs, D1464fs, D1474fs.
Identifiers: ClinVar variation 2109448 (VCV002109448.4), dbSNP rs2533592931, ClinGen allele CA2580072557.